The following is an entry in ClinVar:

ClinVar aggregate classification (germline): Benign/Likely benign. Review status: criteria provided, multiple submitters, no conflicts (2 of 4 stars). 7 submissions from 7 submitters: Benign (4); Likely benign (2). 1 of the submissions does not count toward it. Last evaluated 2026-01-04.

Conditions:
TUFM-related disorder. Also called: TUFM-related condition.
Combined oxidative phosphorylation defect type 4. Identifiers: Orphanet 254925, MedGen C1857682, MONDO:0012534, OMIM 610678.

Allele frequency attached by ClinVar (database versions not stated): 1000 Genomes Project 30x 0.00094; TOPMed 0.00114; gnomAD 0.00116 and 0.00146; 1000 Genomes Project 0.00120; ESP Exome Variant Server 0.00131; gnomAD exomes 0.00178 and 0.00274.
gnomAD v4.1: 2,851 of 1,614,194 alleles (0.18%); highest among the groups gnomAD compares: South Asian, 1.1%; 26 homozygotes.

Submissions (7):

Labcorp Genetics (formerly Invitae), Labcorp
Classification: Benign. Last evaluated: 2026-01-04. Review status: criteria provided, single submitter. Criteria: Invitae Variant Classification Sherloc (09022015). Collection method: clinical testing. Allele origin: germline.

CeGaT Center for Human Genetics Tuebingen
Classification: Benign. Last evaluated: 2025-09-01. Review status: criteria provided, single submitter. Criteria: CeGaT Center For Human Genetics Tuebingen Variant Classification Criteria Version 2. Collection method: clinical testing. Allele origin: germline. Affected: yes. Observed: 6 variant alleles.
Comment: TUFM: BP4, BS1, BS2

ARUP Laboratories, Molecular Genetics and Genomics, ARUP Laboratories
Classification: Benign for Combined oxidative phosphorylation defect type 4. Last evaluated: 2023-08-21. Review status: criteria provided, single submitter. Criteria: ARUP Molecular Germline Variant Investigation Process 2024. Collection method: clinical testing. Allele origin: germline.

Illumina Laboratory Services, Illumina
Classification: Likely benign for Combined oxidative phosphorylation defect type 4. Last evaluated: 2018-01-13. Review status: criteria provided, single submitter. Criteria: ICSL Variant Classification Criteria 13 December 2019. Collection method: clinical testing. Allele origin: germline.
Comment: This variant was observed in the ICSL laboratory as part of a predisposition screen in an ostensibly healthy population. It had not been previously curated by ICSL or reported in the Human Gene Mutation Database (HGMD: prior to June 1st, 2018), and was therefore a candidate for classification through an automated scoring system. Utilizing variant allele frequency, disease prevalence and penetrance estimates, and inheritance mode, an automated score was calculated to assess if this variant is too frequent to cause the disease. Based on the score and internal cut-off values, a variant classified as likely benign is not then subjected to further curation. The score for this variant resulted in a classification of likely benign for this disease.

GeneDx
Classification: Benign. Last evaluated: 2013-12-30. Review status: criteria provided, single submitter. Criteria: GeneDx Variant Classification (06012015). Collection method: clinical testing. Allele origin: germline. Affected: yes.
Comment: This variant is considered likely benign or benign based on one or more of the following criteria: it is a conservative change, it occurs at a poorly conserved position in the protein, it is predicted to be benign by multiple in silico algorithms, and/or has population frequency not consistent with disease.

Breakthrough Genomics
Classification: Likely benign. Review status: criteria provided, single submitter. Criteria: ACMG Guidelines, 2015. Collection method: not provided. Allele origin: germline. Inheritance: Autosomal recessive inheritance. Affected: yes.

PreventionGenetics, part of Exact Sciences
Classification: Benign for TUFM-related condition. Last evaluated: 2019-08-02. Review status: no assertion criteria provided. Collection method: clinical testing. Allele origin: germline. Not counted in ClinVar's aggregate classification.
Comment: This variant is classified as benign based on ACMG/AMP sequence variant interpretation guidelines (Richards et al. 2015 PMID: 25741868, with internal and published modifications).

NM_003321.5(TUFM):c.520-8A>T

Gene: TUFM (Tu translation elongation factor, mitochondrial; minus strand). Cytogenetic location: 16p11.2.
Variant type: single nucleotide variant.
Coding change: c.520-8A>T on transcript NM_003321.5 (MANE Select); 8 bases into the intron before coding-DNA position 520, A replaced by T.
Molecular consequence: intron variant.
Genome position (GRCh38, 1-based): chr16:28,844,870, T>A on the plus strand (A>T on the coding strand, the complement: TUFM is on the minus strand). VCF-style: chr16-28844870-T-A. GRCh37 (hg19) VCF-style: chr16-28856191-T-A.
Other names: c.520-8A>T (NM_001365360.2).
Identifiers: ClinVar variation 137859 (VCV000137859.47), dbSNP rs145900455, ClinGen allele CA291539.